The following is an entry in ClinVar:

ClinVar aggregate classification (germline): Likely benign. Review status: criteria provided, single submitter (1 of 4 stars). 2 submissions from 2 submitters: Likely benign (1). 1 of the submissions does not count toward it. Last evaluated 2023-09-19.

Conditions:
CCDC174-related disorder. Also called: CCDC174-related condition.

Allele frequency attached by ClinVar (database versions not stated): TOPMed 0.00001; ExAC 0.00002.
gnomAD v4.1: 72 of 1,547,162 alleles (0.0047%); highest among the groups gnomAD compares: Non-Finnish European, 0.0062%; no homozygotes.

Submissions (2):

Blueprint Genetics
Classification: Likely benign. Last evaluated: 2023-09-19. Review status: criteria provided, single submitter. Criteria: ACMG Guidelines, 2015. Collection method: clinical testing. Allele origin: germline.

PreventionGenetics, part of Exact Sciences
Classification: Likely benign for CCDC174-related condition. Last evaluated: 2019-08-12. Review status: no assertion criteria provided. Collection method: clinical testing. Allele origin: germline. Not counted in ClinVar's aggregate classification.
Comment: This variant is classified as likely benign based on ACMG/AMP sequence variant interpretation guidelines (Richards et al. 2015 PMID: 25741868, with internal and published modifications).

NM_016474.5(CCDC174):c.248+10T>C

Gene: CCDC174 (coiled-coil domain containing 174; plus strand). Cytogenetic location: 3p25.1.
Variant type: single nucleotide variant.
Coding change: c.248+10T>C on transcript NM_016474.5 (MANE Select); 10 bases into the intron after coding-DNA position 248, T replaced by C.
Molecular consequence: intron variant.
Genome position (GRCh38, 1-based): chr3:14,655,639, T>C. VCF-style: chr3-14655639-T-C. GRCh37 (hg19) VCF-style: chr3-14697146-T-C.
Other names: c.248+10T>C (NM_001410719.1).
Identifiers: ClinVar variation 3035818 (VCV003035818.3), dbSNP rs759004491, ClinGen allele CA2269973.